The following is an entry in ClinVar:

ClinVar aggregate classification (somatic clinical impact): Tier II - Potential (1 of 4 stars; one submission).

Conditions:
Ovarian carcinoma. Identifiers: MedGen C4721610, MONDO:0005140, HP:0025318.

Submission:

Institute for Genomic Medicine (IGM) Clinical Laboratory, Nationwide Children's Hospital
Classification: Tier II - Potential for Ovarian carcinoma. Assertion type: diagnostic. Clinical significance: supports diagnosis. Last evaluated: 2024-11-20. Review status: criteria provided, single submitter. Criteria: AMP/ASCO/CAP Guidelines, 2017. Collection method: clinical testing. Allele origin: somatic. Affected: yes.
Comment: Variant has Tier II (potential) clinical significance as a diagnostic inclusion criterion in ovarian carcinoma, based on the following evidence: 1) Information in the literature supports potential biologic effect of variant (PMID: 31158244). 2) Diagnostic significance based on multiple small studies (Evidence Level C; PMIDs: 19010816, 22930283, 26257827, 27141073, 32556513, 38768941).

Literature cited by the submitters: PubMed 31158244; PubMed 19010816; PubMed 22930283; PubMed 26257827; PubMed 27141073; PubMed 32556513; PubMed 38768941.

NM_004333.6(BRAF):c.1351G>A (p.Glu451Lys)

Gene: BRAF (B-Raf proto-oncogene, serine/threonine kinase; minus strand). Cytogenetic location: 7q34.
Variant type: single nucleotide variant.
Coding change: c.1351G>A on transcript NM_004333.6 (MANE Select); coding-DNA position 1351, G replaced by A.
Protein change: p.Glu451Lys; replaces glutamic acid 451 with lysine.
Molecular consequence: missense variant.
Genome position (GRCh38, 1-based): chr7:140,781,657, C>T on the plus strand (G>A on the coding strand, the complement: BRAF is on the minus strand). VCF-style: chr7-140781657-C-T. GRCh37 (hg19) VCF-style: chr7-140481457-C-T.
Other names: c.1351G>A, p.Glu451Lys (NM_001354609.2, NM_001378468.1, NM_001378474.1); c.1471G>A, p.Glu491Lys (NM_001374244.1, NM_001374258.1); c.1360G>A, p.Glu454Lys (NM_001378467.1); c.1285G>A, p.Glu429Lys (NM_001378469.1); c.1249G>A, p.Glu417Lys (NM_001378470.1); c.1240G>A, p.Glu414Lys (NM_001378471.1); c.1195G>A, p.Glu399Lys (NM_001378472.1, NM_001378473.1); c.1087G>A, p.Glu363Lys (NM_001378475.1); short protein forms E363K, E399K, E414K, E417K, E429K, E451K, E454K, E491K.
Identifiers: ClinVar variation 4530173 (VCV004530173.1).